The following is an entry in ClinVar:

NM_000321.3(RB1):c.1499-57del

Gene: RB1 (RB transcriptional corepressor 1; plus strand). Cytogenetic location: 13q14.2.
Variant type: Deletion.
Coding change: c.1499-57del on transcript NM_000321.3 (MANE Select); 57 bases into the intron before coding-DNA position 1499, one base deleted (A; older notation c.1499-57delA).
Molecular consequence: intron variant.
Genome position (GRCh38, 1-based): chr13:48,381,190, A deleted; the last of 7 consecutive A bases (chr13:48,381,184-48,381,190); deleting any one gives the same sequence. VCF-style (leftmost placement, unchanged base first): chr13-48381183-CA-C. GRCh37 (hg19) VCF-style: chr13-48955319-CA-C.
Other names: c.1499-63del (NM_000321.3).
Identifiers: ClinVar variation 1231152 (VCV001231152.4), dbSNP rs11351399, ClinGen allele CA249281835.

ClinVar aggregate classification (germline): Benign. Review status: criteria provided, multiple submitters, no conflicts (2 of 4 stars). 2 submissions from 2 submitters: Benign (2). Last evaluated 2025-09-17.

Conditions:
Hereditary retinoblastoma. Identifiers: Orphanet 357027, MedGen C0751483, MONDO:0018160.

Submissions (2):

Ramesar Group, Division of Human Genetics, Institute of Infectious Diseases and Molecular Medicine, UCT/MRC Genomic and Precision Medicine Research Unit, University of Cape Town
Classification: Benign for Hereditary retinoblastoma. Last evaluated: 2025-09-17. Review status: criteria provided, single submitter. Criteria: ACMG Guidelines, 2015. Collection method: research. Allele origin: germline. Affected: no.
Comment: BA1 - This variant is common in the general population (gnomAD), and is present in 7 individuals in our in-house control cohort (9%) BP5 - Variant found in a patient with a different retinal disease; RB1 is not associated with the phenotype BP7 - A non-coding variant with no predicted effect on splicing (SpliceAI scores are negligible)

GeneDx
Classification: Benign. Last evaluated: 2019-08-30. Review status: criteria provided, single submitter. Criteria: GeneDx Variant Classification Process June 2021. Collection method: clinical testing. Allele origin: germline. Affected: yes.